The following is an entry in ClinVar:

ClinVar aggregate classification (germline): Pathogenic. Review status: criteria provided, multiple submitters, no conflicts (2 of 4 stars). 2 submissions from 2 submitters: Pathogenic (2). Last evaluated 2024-06-21.

Conditions:
Hereditary breast ovarian cancer syndrome. Also called: Hereditary breast and ovarian cancer syndrome (HBOC); Breast and ovarian cancer; BRCA1- and BRCA2-Associated Hereditary Breast and Ovarian Cancer; Hereditary breast and/or ovarian cancer syndrome; Hereditary breast and ovarian cancer syndrome; Hereditary breast and ovarian cancer. Identifiers: Orphanet 145, MedGen C0677776, MeSH D061325, MONDO:0003582. Disease mechanism: loss of function.
Hereditary cancer-predisposing syndrome. Also called: Tumor predisposition; Hereditary neoplastic syndrome; Neoplastic Syndromes, Hereditary; Hereditary Cancer Syndrome. Identifiers: Orphanet 140162, MedGen C0027672, MeSH D009386, MONDO:0015356.

Submissions (2):

Labcorp Genetics (formerly Invitae), Labcorp
Classification: Pathogenic for Hereditary breast ovarian cancer syndrome. Last evaluated: 2024-06-21. Review status: criteria provided, single submitter. Criteria: Invitae Variant Classification Sherloc (09022015). Collection method: clinical testing. Allele origin: germline.
Comment: This sequence change creates a premature translational stop signal (p.Ser378Thrfs*16) in the BRCA1 gene. It is expected to result in an absent or disrupted protein product. Loss-of-function variants in BRCA1 are known to be pathogenic (PMID: 20104584). This variant is not present in population databases (gnomAD no frequency). This variant has not been reported in the literature in individuals affected with BRCA1-related conditions. ClinVar contains an entry for this variant (Variation ID: 818400). For these reasons, this variant has been classified as Pathogenic.

Ambry Genetics
Classification: Pathogenic for Hereditary cancer-predisposing syndrome. Last evaluated: 2018-07-24. Review status: criteria provided, single submitter. Criteria: Ambry Variant Classification Scheme 2023. Collection method: clinical testing. Allele origin: germline.
Comment: The c.1133delG pathogenic mutation, located in coding exon 9 of the BRCA1 gene, results from a deletion of one nucleotide at nucleotide position 1133, causing a translational frameshift with a predicted alternate stop codon (p.S378Tfs*16). This alteration is expected to result in loss of function by premature protein truncation or nonsense-mediated mRNA decay. As such, this alteration is interpreted as a disease-causing mutation.

Literature cited by the submitters: PubMed 20104584 (cited by Labcorp Genetics (formerly Invitae), Labcorp).

NM_007294.4(BRCA1):c.1133del (p.Ser378fs)

Gene: BRCA1 (BRCA1 DNA repair associated; minus strand). Cytogenetic location: 17q21.31.
Variant type: Deletion.
Coding change: c.1133del on transcript NM_007294.4 (MANE Select); coding-DNA position 1133, one base deleted (G; older notation c.1133delG).
Protein change: p.Ser378fs; shifts the reading frame from serine 378.
Molecular consequence: frameshift variant. On other transcripts: intron variant (137).
Genome position (GRCh38, 1-based): chr17:43,094,398, C deleted on the plus strand (G on the coding strand, the reverse complement: BRCA1 is on the minus strand). VCF-style (leftmost placement, unchanged base first): chr17-43094397-GC-G. GRCh37 (hg19) VCF-style: chr17-41246414-GC-G.
Other names: c.992del, p.Ser331fs (NM_001407945.1, NM_001407692.1, NM_001407694.1 and 29 more transcripts); c.800del, p.Ser267fs (NM_001407946.1, NM_001407947.1, NM_001407948.1 and 6 more transcripts); c.797del, p.Ser266fs (NM_001407954.1, NM_001407955.1, NM_001407956.1 and 1 more transcripts); c.920del, p.Ser307fs (NM_001407571.1, NM_001407853.1, NM_001407894.1 and 9 more transcripts); c.1133del, p.Ser378fs (NM_001407581.1, NM_001407582.1, NM_001407583.1 and 30 more transcripts); c.1130del, p.Ser377fs (NM_001407587.1, NM_001407590.1, NM_001407591.1 and 22 more transcripts); c.1124del, p.Ser375fs (NM_001407646.1, NM_001407647.1); c.1010del, p.Ser337fs (NM_001407648.1, NM_001407664.1, NM_001407665.1 and 19 more transcripts); and 40 more; short protein forms S378fs, S331fs, S250fs, S266fs, S308fs, S311fs, S375fs, S82fs.
Identifiers: ClinVar variation 818400 (VCV000818400.7), dbSNP rs1597877892, ClinGen allele CA915950138.